The following is an entry in ClinVar:

ClinVar aggregate classification (germline): Uncertain significance. Review status: criteria provided, multiple submitters, no conflicts (2 of 4 stars). 2 submissions from 2 submitters: Uncertain significance (2). Last evaluated 2024-12-12.

Conditions:
Lowe syndrome (OCRL). Also called: Oculocerebrorenal Syndrome; LOWE OCULOCEREBRORENAL SYNDROME; PHOSPHATIDYLINOSITOL 4,5-BISPHOSPHATE 5-PHOSPHATASE DEFICIENCY. Identifiers: Orphanet 534, MedGen C0028860, MONDO:0010645, OMIM 309000.

Allele frequency attached by ClinVar (database versions not stated): TOPMed 0.00002; gnomAD 0.00003; gnomAD exomes 0.00004.
gnomAD v4.1: 49 of 1,209,488 alleles (0.0041%); highest among the groups gnomAD compares: South Asian, 0.007%; no homozygotes.

Submissions (2):

GeneDx
Classification: Uncertain significance. Last evaluated: 2024-12-12. Review status: criteria provided, single submitter. Criteria: GeneDx Variant Classification Process June 2021. Collection method: clinical testing. Allele origin: germline. Affected: yes.
Comment: In silico analysis supports that this missense variant has a deleterious effect on protein structure/function; Has not been previously published as pathogenic or benign to our knowledge

Labcorp Genetics (formerly Invitae), Labcorp
Classification: Uncertain significance for Lowe syndrome. Last evaluated: 2022-11-02. Review status: criteria provided, single submitter. Criteria: Invitae Variant Classification Sherloc (09022015). Collection method: clinical testing. Allele origin: germline.
Comment: This sequence change replaces arginine, which is basic and polar, with histidine, which is basic and polar, at codon 886 of the OCRL protein (p.Arg886His). This variant is present in population databases (no rsID available, gnomAD 0.01%). This variant has not been reported in the literature in individuals affected with OCRL-related conditions. Algorithms developed to predict the effect of missense changes on protein structure and function output the following: SIFT: "Tolerated"; PolyPhen-2: "Benign"; Align-GVGD: "Class C0". The histidine amino acid residue is found in multiple mammalian species, which suggests that this missense change does not adversely affect protein function. In summary, the available evidence is currently insufficient to determine the role of this variant in disease. Therefore, it has been classified as a Variant of Uncertain Significance.

NM_000276.4(OCRL):c.2657G>A (p.Arg886His)

Gene: OCRL (OCRL inositol polyphosphate-5-phosphatase; plus strand). Cytogenetic location: Xq26.1.
Variant type: single nucleotide variant.
Coding change: c.2657G>A on transcript NM_000276.4 (MANE Select); coding-DNA position 2657, G replaced by A.
Protein change: p.Arg886His; replaces arginine 886 with histidine.
Molecular consequence: missense variant.
Genome position (GRCh38, 1-based): chrX:129,590,221, G>A. VCF-style: chrX-129590221-G-A. GRCh37 (hg19) VCF-style: chrX-128724198-G-A.
Other names: c.2660G>A, p.Arg887His (NM_001318784.2); c.2633G>A, p.Arg878His (NM_001587.4); c.2657G>A (NM_000276.3); short protein forms R886H, R878H, R887H.
Identifiers: ClinVar variation 2155057 (VCV002155057.2), dbSNP rs897622079, ClinGen allele CA335708335.